The following is an entry in ClinVar:

ClinVar aggregate classification (germline): Uncertain significance (1 of 4 stars; one submission).

gnomAD v4.1: 4 of 1,614,118 alleles (0.00025%); highest among the groups gnomAD compares: East Asian, 0.0022%; no homozygotes.

Submission:

Labcorp Genetics (formerly Invitae), Labcorp
Classification: Uncertain significance. Last evaluated: 2025-11-01. Review status: criteria provided, single submitter. Criteria: Invitae Variant Classification Sherloc (09022015). Collection method: clinical testing. Allele origin: germline.
Comment: This sequence change replaces proline, which is neutral and non-polar, with leucine, which is neutral and non-polar, at codon 2044 of the FN1 protein (p.Pro2044Leu). This variant is present in population databases (rs747472574, gnomAD 0.006%). This variant has not been reported in the literature in individuals affected with FN1-related conditions. An algorithm developed to predict the effect of missense changes on protein structure and function (PolyPhen-2) suggests that this variant is likely to be disruptive. In summary, the available evidence is currently insufficient to determine the role of this variant in disease. Therefore, it has been classified as a Variant of Uncertain Significance.

NM_212482.4(FN1):c.6131C>T (p.Pro2044Leu)

Gene: FN1 (fibronectin 1; minus strand). Cytogenetic location: 2q35.
Variant type: single nucleotide variant.
Coding change: c.6131C>T on transcript NM_212482.4 (MANE Select); coding-DNA position 6131, C replaced by T.
Protein change: p.Pro2044Leu; replaces proline 2044 with leucine.
Molecular consequence: missense variant.
Genome position (GRCh38, 1-based): chr2:215,375,240, G>A on the plus strand (C>T on the coding strand, the complement: FN1 is on the minus strand). VCF-style: chr2-215375240-G-A. GRCh37 (hg19) VCF-style: chr2-216239963-G-A.
Other names: c.6131C>T, p.Pro2044Leu (NM_001306129.2); c.5861C>T, p.Pro1954Leu (NM_001306130.2, NM_001365517.2, NM_001365519.2 and 2 more transcripts); c.5588C>T, p.Pro1863Leu (NM_001306131.2, NM_001306132.2, NM_001365523.2 and 2 more transcripts); c.5858C>T, p.Pro1953Leu (NM_001365518.2, NM_001365520.2, NM_001365524.2 and 2 more transcripts); short protein forms P1863L, P1953L, P1954L, P2044L.
Identifiers: ClinVar variation 4690357 (VCV004690357.1).